The following is an entry in ClinVar:

ClinVar aggregate classification (germline): Pathogenic (1 of 4 stars; one submission).

Submission:

Labcorp Genetics (formerly Invitae), Labcorp
Classification: Pathogenic. Last evaluated: 2023-09-05. Review status: criteria provided, single submitter. Criteria: Invitae Variant Classification Sherloc (09022015). Collection method: clinical testing. Allele origin: germline.
Comment: This sequence change creates a premature translational stop signal (p.Asn446Ilefs*12) in the ENPP1 gene. It is expected to result in an absent or disrupted protein product. Loss-of-function variants in ENPP1 are known to be pathogenic (PMID: 12881724, 15605415, 16369898, 20016754, 20137773, 22539483). This variant is not present in population databases (gnomAD no frequency). This variant has not been reported in the literature in individuals affected with ENPP1-related conditions. For these reasons, this variant has been classified as Pathogenic.

Literature cited by the submitters: PubMed 12881724; PubMed 15605415; PubMed 16369898; PubMed 20016754; PubMed 20137773; PubMed 22539483.

NM_006208.3(ENPP1):c.1332del (p.Asn446fs)

Gene: ENPP1 (ectonucleotide pyrophosphatase/phosphodiesterase 1; plus strand). Cytogenetic location: 6q23.2.
Variant type: Deletion.
Coding change: c.1332del on transcript NM_006208.3 (MANE Select); coding-DNA position 1332, one base deleted (T; older notation c.1332delT).
Protein change: p.Asn446fs; shifts the reading frame from asparagine 446.
Molecular consequence: frameshift variant.
Genome position (GRCh38, 1-based): chr6:131,869,416, T deleted; the last of 2 consecutive T bases (chr6:131,869,415-131,869,416); deleting either gives the same sequence. VCF-style (leftmost placement, unchanged base first): chr6-131869414-GT-G. GRCh37 (hg19) VCF-style: chr6-132190554-GT-G.
Other names: short protein forms N446fs.
Identifiers: ClinVar variation 2758263 (VCV002758263.3), dbSNP rs2483496829, ClinGen allele CA2697553691.